The following is an entry in ClinVar:

ClinVar aggregate classification (germline): Uncertain significance (1 of 4 stars; one submission).

Submission:

Labcorp Genetics (formerly Invitae), Labcorp
Classification: Uncertain significance. Last evaluated: 2025-10-03. Review status: criteria provided, single submitter. Criteria: Invitae Variant Classification Sherloc (09022015). Collection method: clinical testing. Allele origin: germline.
Comment: This sequence change replaces serine, which is neutral and polar, with proline, which is neutral and non-polar, at codon 160 of the BGN protein (p.Ser160Pro). This variant is not present in population databases (gnomAD no frequency). This variant has not been reported in the literature in individuals affected with BGN-related conditions. Invitae Evidence Modeling of protein sequence and biophysical properties (such as structural, functional, and spatial information, amino acid conservation, physicochemical variation, residue mobility, and thermodynamic stability) has been performed for this missense variant. However, the output from this modeling did not meet the statistical confidence thresholds required to predict the impact of this variant on BGN protein function. In summary, the available evidence is currently insufficient to determine the role of this variant in disease. Therefore, it has been classified as a Variant of Uncertain Significance.

NM_001711.6(BGN):c.478T>C (p.Ser160Pro)

Gene: BGN (biglycan; plus strand). Cytogenetic location: Xq28.
Variant type: single nucleotide variant.
Coding change: c.478T>C on transcript NM_001711.6 (MANE Select); coding-DNA position 478, T replaced by C.
Protein change: p.Ser160Pro; replaces serine 160 with proline.
Molecular consequence: missense variant.
Genome position (GRCh38, 1-based): chrX:153,505,989, T>C. VCF-style: chrX-153505989-T-C. GRCh37 (hg19) VCF-style: chrX-152771447-T-C.
Other names: short protein forms S160P.
Identifiers: ClinVar variation 4741338 (VCV004741338.1).